The following is an entry in ClinVar:

ClinVar aggregate classification (germline): Uncertain significance (1 of 4 stars; one submission).

Conditions:
Intellectual developmental disorder, X-linked 90. Also called: DLG3-Related X-Linked Nonsyndromic Mental Retardation; Intellectual disability, X-linked 90. Identifiers: Orphanet 777, MedGen C3275443, MONDO:0010452, OMIM 300850.

gnomAD v4.1: 1 of 1,207,675 alleles (0.000083%); highest among the groups gnomAD compares: East Asian, 0.003%; no homozygotes.

Submission:

Equipe Genetique des Anomalies du Developpement, Université de Bourgogne
Classification: Uncertain significance for Intellectual developmental disorder, X-linked 90. Last evaluated: 2025-01-31. Review status: criteria provided, single submitter. Criteria: ACMG Guidelines, 2015. Collection method: curation. Allele origin: germline. Affected: yes.
Comment: Literature review. This variant is a missense which replaces an asparagine with a lysine at position 666. Hemizygous pathogenic variants in DLG3 are reported in an autosomal dominant intellectual disability (OMIM #300850). This variant is not present in male individuals in gnomAD (v4.1.0). It has not been reported in ClinVar and was reported in the literature (PMID:38249294). In silico prediction scores are inconclusive. Based on these evidences, the variant was classified as of uncertain significance.

Literature cited by the submitters: PubMed 38249294.

NM_021120.4(DLG3):c.1998T>A (p.Asn666Lys)

Gene: DLG3 (discs large MAGUK scaffold protein 3; plus strand). Cytogenetic location: Xq13.1.
Variant type: single nucleotide variant.
Coding change: c.1998T>A on transcript NM_021120.4 (MANE Select); coding-DNA position 1998, T replaced by A.
Protein change: p.Asn666Lys; replaces asparagine 666 with lysine.
Molecular consequence: missense variant.
Genome position (GRCh38, 1-based): chrX:70,499,902, T>A. VCF-style: chrX-70499902-T-A. GRCh37 (hg19) VCF-style: chrX-69719752-T-A.
Other names: c.645T>A, p.Asn215Lys (NM_001166278.2); c.1083T>A, p.Asn361Lys (NM_020730.3); short protein forms N215K, N361K, N666K.
Identifiers: ClinVar variation 3770151 (VCV003770151.1).